The following is an entry in ClinVar:

ClinVar aggregate classification (germline): Pathogenic (0 of 4 stars; one submission).

Conditions:
Generalized hypotonia. Identifiers: MedGen C1858120, HP:0001290.

Submission:

Lupski Lab, Baylor-Hopkins CMG, Baylor College of Medicine
Classification: Pathogenic for Generalized hypotonia. Review status: no assertion criteria provided. Collection method: research. Allele origin: germline. Inheritance: Autosomal recessive inheritance. Affected: yes.

NM_001037161.2(ACOT1):c.410_423del (p.Glu137fs)

Genes: ACOT1 (acyl-CoA thioesterase 1; plus strand), HEATR4 (HEAT repeat containing 4; minus strand). Cytogenetic location: 14q24.3.
Variant type: Deletion.
Coding change: c.410_423del on transcript NM_001037161.2 (MANE Select); coding-DNA positions 410 to 423, 14 bases deleted (AGCCGGTGCGCGCG).
Protein change: p.Glu137fs; shifts the reading frame from glutamic acid 137.
Molecular consequence: frameshift variant. On other transcripts: intron variant (2).
Genome position (GRCh38, 1-based): chr14:73,537,831-73,537,844, AGCCGGTGCGCGCG deleted; deleting any 14 consecutive bases within chr14:73,537,826-73,537,844 gives the same sequence; the c. name uses the placement nearest the transcript's 3' end. VCF-style (leftmost placement, unchanged base first): chr14-73537825-GGCGCGAGCCGGTGC-G. GRCh37 (hg19) VCF-style: chr14-74004529-GGCGCGAGCCGGTGC-G.
Other names: c.-72-14615_-72-14602del (NM_203309.2); c.-151-7595_-151-7582del (NM_001220484.1); short protein forms E137fs.
Identifiers: ClinVar variation 375394 (VCV000375394.1), dbSNP rs1057519450, ClinGen allele CA16044233.